The following is an entry in ClinVar:

NM_017617.5(NOTCH1):c.5181G>T (p.Glu1727Asp)

Gene: NOTCH1 (notch receptor 1; minus strand). Cytogenetic location: 9q34.3.
Variant type: single nucleotide variant.
Coding change: c.5181G>T on transcript NM_017617.5 (MANE Select); coding-DNA position 5181, G replaced by T.
Protein change: p.Glu1727Asp; replaces glutamic acid 1727 with aspartic acid.
Molecular consequence: missense variant.
Genome position (GRCh38, 1-based): chr9:136,502,475, C>A on the plus strand (G>T on the coding strand, the complement: NOTCH1 is on the minus strand). VCF-style: chr9-136502475-C-A. GRCh37 (hg19) VCF-style: chr9-139396927-C-A.
Other names: short protein forms E1727D.
Identifiers: ClinVar variation 960370 (VCV000960370.10), dbSNP rs1843014055, ClinGen allele CA375641311.

ClinVar aggregate classification (germline): Uncertain significance (1 of 4 stars; one submission).

Conditions:
Adams-Oliver syndrome 5 (AOS5). Identifiers: Orphanet 974, MedGen C4014970, MONDO:0014459, OMIM 616028.

Submission:

Labcorp Genetics (formerly Invitae), Labcorp
Classification: Uncertain significance for Adams-Oliver syndrome 5. Last evaluated: 2022-03-03. Review status: criteria provided, single submitter. Criteria: Invitae Variant Classification Sherloc (09022015). Collection method: clinical testing. Allele origin: germline.
Comment: Advanced modeling of protein sequence and biophysical properties (such as structural, functional, and spatial information, amino acid conservation, physicochemical variation, residue mobility, and thermodynamic stability) performed at Invitae indicates that this missense variant is not expected to disrupt NOTCH1 protein function. This sequence change replaces glutamic acid, which is acidic and polar, with aspartic acid, which is acidic and polar, at codon 1727 of the NOTCH1 protein (p.Glu1727Asp). This variant is not present in population databases (gnomAD no frequency). This variant has not been reported in the literature in individuals affected with NOTCH1-related conditions. ClinVar contains an entry for this variant (Variation ID: 960370). In summary, the available evidence is currently insufficient to determine the role of this variant in disease. Therefore, it has been classified as a Variant of Uncertain Significance.